The following is an entry in ClinVar:

NM_003924.4(PHOX2B):c.430G>T (p.Val144Leu)

Gene: PHOX2B (paired like homeobox 2B; minus strand). Cytogenetic location: 4p13.
Variant type: single nucleotide variant.
Coding change: c.430G>T on transcript NM_003924.4 (MANE Select); coding-DNA position 430, G replaced by T.
Protein change: p.Val144Leu; replaces valine 144 with leucine.
Molecular consequence: missense variant.
Genome position (GRCh38, 1-based): chr4:41,746,322, C>A on the plus strand (G>T on the coding strand, the complement: PHOX2B is on the minus strand). VCF-style: chr4-41746322-C-A. GRCh37 (hg19) VCF-style: chr4-41748339-C-A.
Other names: short protein forms V144L.
Identifiers: ClinVar variation 5026610 (VCV005026610.1).

ClinVar aggregate classification (germline): Uncertain significance (1 of 4 stars; one submission).

Conditions:
Hereditary cancer-predisposing syndrome. Also called: Neoplastic Syndromes, Hereditary; Tumor predisposition; Hereditary neoplastic syndrome; Hereditary Cancer Syndrome. Identifiers: Orphanet 140162, MedGen C0027672, MeSH D009386, MONDO:0015356.

Submission:

Ambry Genetics
Classification: Uncertain significance for Hereditary cancer-predisposing syndrome. Last evaluated: 2026-07-07. Review status: criteria provided, single submitter. Criteria: Ambry Variant Classification Scheme 2023. Collection method: clinical testing. Allele origin: germline.
Comment: The p.V144L variant (also known as c.430G>T) is located in coding exon 3 of the PHOX2B gene. The valine at codon 144 is replaced by leucine, an amino acid with highly similar properties. This change occurs in the first base pair of coding exon 3. This amino acid position is conserved. In addition, this alteration is predicted to be deleterious by in silico analysis. Based on the available evidence, the clinical significance of this variant remains unclear.